The following is an entry in ClinVar:

NM_001271.4(CHD2):c.1053-300C>T

Gene: CHD2 (chromodomain helicase DNA binding protein 2; plus strand). Cytogenetic location: 15q26.1.
Variant type: single nucleotide variant.
Coding change: c.1053-300C>T on transcript NM_001271.4 (MANE Select); 300 bases into the intron before coding-DNA position 1053, C replaced by T.
Molecular consequence: intron variant.
Genome position (GRCh38, 1-based): chr15:92,944,115, C>T. VCF-style: chr15-92944115-C-T. GRCh37 (hg19) VCF-style: chr15-93487345-C-T.
Other names: c.1053-300C>T (NM_001042572.3).
Identifiers: ClinVar variation 671758 (VCV000671758.1), dbSNP rs141921472, ClinGen allele CA274872566.

ClinVar aggregate classification (germline): Likely benign (1 of 4 stars; one submission).

Allele frequency attached by ClinVar (database versions not stated): gnomAD exomes 0.00203; 1000 Genomes Project 0.00539; 1000 Genomes Project 30x 0.00609; gnomAD 0.00671 and 0.00721; TOPMed 0.00759.
gnomAD v4.1: 1,071 of 177,512 alleles (0.6%); highest among the groups gnomAD compares: African/African-American, 2.2%; 12 homozygotes.

Submission:

GeneDx
Classification: Likely benign. Last evaluated: 2018-06-19. Review status: criteria provided, single submitter. Criteria: GeneDx Variant Classification (06012015). Collection method: clinical testing. Allele origin: germline. Affected: yes.
Comment: This variant is considered likely benign or benign based on one or more of the following criteria: it is a conservative change, it occurs at a poorly conserved position in the protein, it is predicted to be benign by multiple in silico algorithms, and/or has population frequency not consistent with disease.